The following is an entry in ClinVar:

NM_021922.3(FANCE):c.662G>A (p.Arg221Gln)

Gene: FANCE (FA complementation group E; plus strand). Cytogenetic location: 6p21.31.
Variant type: single nucleotide variant.
Coding change: c.662G>A on transcript NM_021922.3 (MANE Select); coding-DNA position 662, G replaced by A.
Protein change: p.Arg221Gln; replaces arginine 221 with glutamine.
Molecular consequence: missense variant.
Genome position (GRCh38, 1-based): chr6:35,456,160, G>A. VCF-style: chr6-35456160-G-A. GRCh37 (hg19) VCF-style: chr6-35423937-G-A.
Other names: short protein forms R221Q.
Identifiers: ClinVar variation 1327104 (VCV001327104.5), dbSNP rs777849670, ClinGen allele CA3771462.
Genomic context (GRCh38, chr6:35,456,160, plus strand): 5'-GAAAGGACTCAGAGGAAGAGGCTGCCAGTCCTGAGGGGAAGAGGGTCCCCAAAAGATTAC[G>A]GTGTTGGGAAGAGGAAGAAGATCATGAGAAGGAGAGACCCGAACATAAGTCACTGGAATC-3'
Protein context (NP_068741.1, residues 211-231): PEGKRVPKRL[Arg221Gln]CWEEEEDHEK

ClinVar aggregate classification (germline): Uncertain significance. Review status: criteria provided, multiple submitters, no conflicts (2 of 4 stars). 4 submissions from 4 submitters: Uncertain significance (4). Last evaluated 2025-02-01.

Conditions:
Inborn genetic diseases. Identifiers: MedGen C0950123, MeSH D030342.
Fanconi anemia complementation group E (FANCE). Also called: FANCE-Related Fanconi Anemia. Identifiers: Orphanet 84, MedGen C3160739, MONDO:0010953, OMIM 600901.

Allele frequency attached by ClinVar (database versions not stated): ExAC 0.00001; gnomAD 0.00001; gnomAD exomes 0.00001 and 0.00002.
gnomAD v4.1: 17 of 1,614,042 alleles (0.0011%); highest among the groups gnomAD compares: Admixed American, 0.005%; no homozygotes.

Submissions (4):

Ambry Genetics
Classification: Uncertain significance for Inborn genetic diseases. Last evaluated: 2025-02-01. Review status: criteria provided, single submitter. Criteria: Ambry Variant Classification Scheme 2023. Collection method: clinical testing. Allele origin: germline.

Labcorp Genetics (formerly Invitae), Labcorp
Classification: Uncertain significance for Fanconi anemia complementation group E. Last evaluated: 2022-05-06. Review status: criteria provided, single submitter. Criteria: Invitae Variant Classification Sherloc (09022015). Collection method: clinical testing. Allele origin: germline.
Comment: This sequence change replaces arginine, which is basic and polar, with glutamine, which is neutral and polar, at codon 221 of the FANCE protein (p.Arg221Gln). This variant is present in population databases (rs777849670, gnomAD 0.006%). This variant has not been reported in the literature in individuals affected with FANCE-related conditions. ClinVar contains an entry for this variant (Variation ID: 1327104). Algorithms developed to predict the effect of missense changes on protein structure and function are either unavailable or do not agree on the potential impact of this missense change (SIFT: "Deleterious"; PolyPhen-2: "Probably Damaging"; Align-GVGD: "Class C0"). In summary, the available evidence is currently insufficient to determine the role of this variant in disease. Therefore, it has been classified as a Variant of Uncertain Significance.

Fulgent Genetics
Classification: Uncertain significance for Fanconi anemia complementation group E. Last evaluated: 2021-10-07. Review status: criteria provided, single submitter. Criteria: ACMG Guidelines, 2015. Collection method: clinical testing. Allele origin: unknown.

Baylor Genetics
Classification: Uncertain significance for Fanconi anemia complementation group E. Last evaluated: 2021-02-09. Review status: criteria provided, single submitter. Criteria: ACMG Guidelines, 2015. Collection method: clinical testing. Allele origin: unknown. Affected: yes. Study: CSER-TexasKidsCanSeq.
Comment: This variant was determined to be of uncertain significance according to ACMG Guidelines, 2015 [PMID:25741868].